The following is an entry in ClinVar:

NM_003850.3(SUCLA2):c.36C>G (p.Ala12=)

Genes: SUCLA2 (succinate-CoA ligase ADP-forming subunit beta; minus strand), LOC130009747 (ATAC-STARR-seq lymphoblastoid active region 7719; plus strand). Cytogenetic location: 13q14.2.
Variant type: single nucleotide variant.
Coding change: c.36C>G on transcript NM_003850.3 (MANE Select); coding-DNA position 36, C replaced by G.
Protein change: p.Ala12=; no amino-acid change (alanine 12 retained).
Molecular consequence: synonymous variant.
Genome position (GRCh38, 1-based): chr13:48,001,234, G>C on the plus strand (C>G on the coding strand, the complement: SUCLA2 is on the minus strand). VCF-style: chr13-48001234-G-C. GRCh37 (hg19) VCF-style: chr13-48575370-G-C.
Identifiers: ClinVar variation 386595 (VCV000386595.9), dbSNP rs771793708, ClinGen allele CA16606467.

ClinVar aggregate classification (germline): Likely benign. Review status: criteria provided, multiple submitters, no conflicts (2 of 4 stars). 2 submissions from 2 submitters: Likely benign (2). Last evaluated 2025-07-10.

Conditions:
Mitochondrial DNA depletion syndrome, encephalomyopathic form with methylmalonic aciduria (MTDPS5). Also called: MITOCHONDRIAL DNA DEPLETION SYNDROME, ENCEPHALOMYOPATHIC FORM, WITH OR WITHOUT METHYLMALONIC ACIDURIA, AUTOSOMAL RECESSIVE, SUCLA2-RELATED; Mitochondrial DNA depletion syndrome 5 (encephalomyopathic with or without methylmalonic aciduria); SUCLA2-Related Mitochondrial DNA Depletion Syndrome, Encephalomyopathic Form with Methylmalonic Aciduria; Mitochondrial encephalomyopathy aminoacidopathy. Identifiers: Orphanet 1933, MedGen C5980207, MONDO:0012791, OMIM 612073.

Allele frequency attached by ClinVar (database versions not stated): gnomAD 0.00004; TOPMed 0.00004.

Submissions (2):

Labcorp Genetics (formerly Invitae), Labcorp
Classification: Likely benign for Mitochondrial DNA depletion syndrome, encephalomyopathic form with methylmalonic aciduria. Last evaluated: 2025-07-10. Review status: criteria provided, single submitter. Criteria: Invitae Variant Classification Sherloc (09022015). Collection method: clinical testing. Allele origin: germline.

GeneDx
Classification: Likely benign. Last evaluated: 2016-06-01. Review status: criteria provided, single submitter. Criteria: GeneDx Variant Classification (06012015). Collection method: clinical testing. Allele origin: germline. Affected: yes.
Comment: This variant is considered likely benign or benign based on one or more of the following criteria: it is a conservative change, it occurs at a poorly conserved position in the protein, it is predicted to be benign by multiple in silico algorithms, and/or has population frequency not consistent with disease.